The following is an entry in ClinVar:

ClinVar aggregate classification (germline): Benign (1 of 4 stars; one submission).

Conditions:
Hereditary sensory neuropathy-deafness-dementia syndrome. Also called: Hereditary sensory neuropathy type IE; Hereditary Sensory and Autonomic Neuropathy Type 1E (HSAN1E); HSN IE; NEUROPATHY, HEREDITARY SENSORY, WITH HEARING LOSS AND DEMENTIA. Identifiers: Orphanet 456318, MedGen C3279885, MONDO:0013584, OMIM 614116.

Allele frequency attached by ClinVar (database versions not stated): gnomAD below 0.00001 and 0.00002; gnomAD exomes 0.00004; ExAC 0.00006.
gnomAD v4.1: 24 of 1,613,854 alleles (0.0015%); highest among the groups gnomAD compares: South Asian, 0.025%; no homozygotes.

Submission:

Illumina Laboratory Services, Illumina
Classification: Benign for Hereditary sensory neuropathy-deafness-dementia syndrome. Last evaluated: 2018-01-13. Review status: criteria provided, single submitter. Criteria: ICSL Variant Classification Criteria 13 December 2019. Collection method: clinical testing. Allele origin: germline.
Comment: This variant was observed in the ICSL laboratory as part of a predisposition screen in an ostensibly healthy population. It had not been previously curated by ICSL or reported in the Human Gene Mutation Database (HGMD: prior to June 1st, 2018), and was therefore a candidate for classification through an automated scoring system. Utilizing variant allele frequency, disease prevalence and penetrance estimates, and inheritance mode, an automated score was calculated to assess if this variant is too frequent to cause the disease. Based on the score and internal cut-off values, a variant classified as benign is not then subjected to further curation. The score for this variant resulted in a classification of benign for this disease.

NM_001130823.3(DNMT1):c.1009-8C>G

Gene: DNMT1 (DNA methyltransferase 1; minus strand). Cytogenetic location: 19p13.2.
Variant type: single nucleotide variant.
Coding change: c.1009-8C>G on transcript NM_001130823.3 (MANE Select); 8 bases into the intron before coding-DNA position 1009, C replaced by G.
Molecular consequence: intron variant.
Genome position (GRCh38, 1-based): chr19:10,160,426, G>C on the plus strand (C>G on the coding strand, the complement: DNMT1 is on the minus strand). VCF-style: chr19-10160426-G-C. GRCh37 (hg19) VCF-style: chr19-10271102-G-C.
Other names: c.646-8C>G (NM_001318731.2); c.961-8C>G (NM_001379.4, NM_001318730.2); c.1009-8C>G (LRG_362t1).
Identifiers: ClinVar variation 327916 (VCV000327916.5), dbSNP rs766626750, ClinGen allele CA9188447.